The following is an entry in ClinVar:

ClinVar aggregate classification (germline): Uncertain significance (1 of 4 stars; one submission).

Conditions:
Gorlin syndrome. Also called: Basal cell nevus syndrome; Nevoid Basal Cell Carcinoma Syndrome. Identifiers: Orphanet 377, MedGen C0004779, MONDO:0007187.

Submission:

Labcorp Genetics (formerly Invitae), Labcorp
Classification: Uncertain significance for Gorlin syndrome. Last evaluated: 2021-04-26. Review status: criteria provided, single submitter. Criteria: Invitae Variant Classification Sherloc (09022015). Collection method: clinical testing. Allele origin: germline.
Comment: Advanced modeling of protein sequence and biophysical properties (such as structural, functional, and spatial information, amino acid conservation, physicochemical variation, residue mobility, and thermodynamic stability) performed at Invitae indicates that this missense variant is not expected to disrupt PTCH1 protein function. This variant has not been reported in the literature in individuals with PTCH1-related conditions. This variant is not present in population databases (ExAC no frequency). This sequence change replaces proline with serine at codon 1202 of the PTCH1 protein (p.Pro1202Ser). The proline residue is moderately conserved and there is a moderate physicochemical difference between proline and serine. In summary, the available evidence is currently insufficient to determine the role of this variant in disease. Therefore, it has been classified as a Variant of Uncertain Significance.

NM_000264.5(PTCH1):c.3604C>T (p.Pro1202Ser)

Gene: PTCH1 (patched 1; minus strand). Cytogenetic location: 9q22.32.
Variant type: single nucleotide variant.
Coding change: c.3604C>T on transcript NM_000264.5 (MANE Select); coding-DNA position 3604, C replaced by T.
Protein change: p.Pro1202Ser; replaces proline 1202 with serine.
Molecular consequence: missense variant. On other transcripts: non-coding transcript variant (1).
Genome position (GRCh38, 1-based): chr9:95,449,269, G>A on the plus strand (C>T on the coding strand, the complement: PTCH1 is on the minus strand). VCF-style: chr9-95449269-G-A. GRCh37 (hg19) VCF-style: chr9-98211551-G-A.
Other names: c.3406C>T, p.Pro1136Ser (NM_001083602.3); c.3601C>T, p.Pro1201Ser (NM_001083603.3); c.3151C>T, p.Pro1051Ser (NM_001083604.3, NM_001083605.3, NM_001083606.3 and 1 more transcripts); c.3448C>T, p.Pro1150Ser (NM_001354918.2); short protein forms P1202S, P1051S, P1150S, P1136S, P1201S.
Identifiers: ClinVar variation 1349049 (VCV001349049.8), dbSNP rs1384935549, ClinGen allele CA374111310.